The following is an entry in ClinVar:

NM_002471.4(MYH6):c.872T>C (p.Leu291Pro)

Gene: MYH6 (myosin heavy chain 6; minus strand). Cytogenetic location: 14q11.2.
Variant type: single nucleotide variant.
Coding change: c.872T>C on transcript NM_002471.4 (MANE Select); coding-DNA position 872, T replaced by C.
Protein change: p.Leu291Pro; replaces leucine 291 with proline.
Molecular consequence: missense variant.
Genome position (GRCh38, 1-based): chr14:23,403,374, A>G on the plus strand (T>C on the coding strand, the complement: MYH6 is on the minus strand). VCF-style: chr14-23403374-A-G. GRCh37 (hg19) VCF-style: chr14-23872583-A-G.
Other names: short protein forms L291P.
Identifiers: ClinVar variation 2637270 (VCV002637270.1), dbSNP rs2502200803, ClinGen allele CA389028153.

ClinVar aggregate classification (germline): Uncertain significance (1 of 4 stars; one submission).

Conditions:
MYH6-related disorder. Also called: MYH6-related condition; MYH6-Related Disorders.

Submission:

PreventionGenetics, part of Exact Sciences
Classification: Uncertain significance for MYH6-related condition. Last evaluated: 2022-09-17. Review status: criteria provided, single submitter. Criteria: ACMG Guidelines, 2015. Collection method: clinical testing. Allele origin: germline.
Comment: The MYH6 c.872T>C variant is predicted to result in the amino acid substitution p.Leu291Pro. To our knowledge, this variant has not been reported in the literature or in a large population database, indicating this variant is rare. At this time, the clinical significance of this variant is uncertain due to the absence of conclusive functional and genetic evidence.